The following is an entry in ClinVar:

NM_004525.3(LRP2):c.2248G>T (p.Ala750Ser)

Gene: LRP2 (LDL receptor related protein 2; minus strand). Cytogenetic location: 2q31.1.
Variant type: single nucleotide variant.
Coding change: c.2248G>T on transcript NM_004525.3 (MANE Select); coding-DNA position 2248, G replaced by T.
Protein change: p.Ala750Ser; replaces alanine 750 with serine.
Molecular consequence: missense variant.
Genome position (GRCh38, 1-based): chr2:169,270,976, C>A on the plus strand (G>T on the coding strand, the complement: LRP2 is on the minus strand). VCF-style: chr2-169270976-C-A. GRCh37 (hg19) VCF-style: chr2-170127486-C-A.
Other names: short protein forms A750S.
Identifiers: ClinVar variation 1364707 (VCV001364707.6), dbSNP rs779934241, ClinGen allele CA349161912.

ClinVar aggregate classification (germline): Uncertain significance. Review status: criteria provided, multiple submitters, no conflicts (2 of 4 stars). 2 submissions from 2 submitters: Uncertain significance (2). Last evaluated 2024-05-08.

Conditions:
Donnai-Barrow syndrome. Also called: DBS/FOAR SYNDROME; FACIOOCULOACOUSTICORENAL SYNDROME. Identifiers: Orphanet 2143, MedGen C1857277, MONDO:0009104, OMIM 222448.

gnomAD v4.1: 3 of 1,613,154 alleles (0.00019%); highest among the groups gnomAD compares: Non-Finnish European, 0.00025%; no homozygotes.

Submissions (2):

Fulgent Genetics
Classification: Uncertain significance for Donnai-Barrow syndrome. Last evaluated: 2024-05-08. Review status: criteria provided, single submitter. Criteria: ACMG Guidelines, 2015. Collection method: clinical testing. Allele origin: germline.

Labcorp Genetics (formerly Invitae), Labcorp
Classification: Uncertain significance. Last evaluated: 2022-05-18. Review status: criteria provided, single submitter. Criteria: Invitae Variant Classification Sherloc (09022015). Collection method: clinical testing. Allele origin: germline.
Comment: This sequence change replaces alanine, which is neutral and non-polar, with serine, which is neutral and polar, at codon 750 of the LRP2 protein (p.Ala750Ser). This variant is not present in population databases (gnomAD no frequency). This variant has not been reported in the literature in individuals affected with LRP2-related conditions. Advanced modeling of protein sequence and biophysical properties (such as structural, functional, and spatial information, amino acid conservation, physicochemical variation, residue mobility, and thermodynamic stability) performed at Invitae indicates that this missense variant is expected to disrupt LRP2 protein function. In summary, the available evidence is currently insufficient to determine the role of this variant in disease. Therefore, it has been classified as a Variant of Uncertain Significance.